The following is an entry in ClinVar:

ClinVar aggregate classification (germline): Uncertain significance (1 of 4 stars; one submission).

Conditions:
Neuroblastoma, susceptibility to, 3. Also called: ALK-Related Neuroblastic Tumor Susceptibility. Identifiers: Orphanet 635, MedGen C2751681, MONDO:0013083, OMIM 613014.

Submission:

Labcorp Genetics (formerly Invitae), Labcorp
Classification: Uncertain significance for Neuroblastoma, susceptibility to, 3. Last evaluated: 2024-01-03. Review status: criteria provided, single submitter. Criteria: Invitae Variant Classification Sherloc (09022015). Collection method: clinical testing. Allele origin: germline.
Comment: This sequence change creates a premature translational stop signal (p.Glu160*) in the ALK gene. It is expected to result in an absent or disrupted protein product. However, the current clinical and genetic evidence is not sufficient to establish whether loss-of-function variants in ALK cause disease. This variant is not present in population databases (gnomAD no frequency). This variant has not been reported in the literature in individuals affected with ALK-related conditions. In summary, the available evidence is currently insufficient to determine the role of this variant in disease. Therefore, it has been classified as a Variant of Uncertain Significance.

NM_004304.5(ALK):c.478G>T (p.Glu160Ter)

Gene: ALK (ALK receptor tyrosine kinase; minus strand). Cytogenetic location: 2p23.1.
Variant type: single nucleotide variant.
Coding change: c.478G>T on transcript NM_004304.5 (MANE Select); coding-DNA position 478, G replaced by T.
Protein change: p.Glu160Ter; replaces glutamic acid 160 with a stop codon.
Molecular consequence: nonsense.
Genome position (GRCh38, 1-based): chr2:29,920,182, C>A on the plus strand (G>T on the coding strand, the complement: ALK is on the minus strand). VCF-style: chr2-29920182-C-A. GRCh37 (hg19) VCF-style: chr2-30143048-C-A.
Other names: short protein forms E160*.
Identifiers: ClinVar variation 2705389 (VCV002705389.3), dbSNP rs1667952034, ClinGen allele CA346589969.